The following is an entry in ClinVar:

NM_000152.5(GAA):c.2808C>T (p.Asp936=)

Gene: GAA (alpha glucosidase; plus strand). Cytogenetic location: 17q25.3.
Variant type: single nucleotide variant.
Coding change: c.2808C>T on transcript NM_000152.5 (MANE Select); coding-DNA position 2808, C replaced by T.
Protein change: p.Asp936=; no amino-acid change (aspartic acid 936 retained).
Molecular consequence: synonymous variant.
Genome position (GRCh38, 1-based): chr17:80,119,280, C>T. VCF-style: chr17-80119280-C-T. GRCh37 (hg19) VCF-style: chr17-78093079-C-T.
Other names: c.2808C>T, p.Asp936= (NM_001079803.3, NM_001079804.3, NM_001406741.1 and 1 more transcripts).
Identifiers: ClinVar variation 3640910 (VCV003640910.3).

ClinVar aggregate classification (germline): Likely benign. Review status: criteria provided, multiple submitters, no conflicts (2 of 4 stars). 2 submissions from 2 submitters: Likely benign (2). Last evaluated 2026-07-01.

Conditions:
Glycogen storage disease, type II (IOPD). Also called: Glycogen storage disease type 2; Acid maltase deficiency disease; Aglucosidase alfa; Deficiency of alpha-glucosidase; Deficiency of lysosomal alpha-glucosidase; POMPE DISEASE, INFANTILE-ONSET. Identifiers: Orphanet 365, MedGen C0017921, MONDO:0009290, OMIM 232300.

gnomAD v4.1: 1 of 1,613,922 alleles (0.000062%); highest among the groups gnomAD compares: African/African-American, 0.0013%; no homozygotes.

Submissions (2):

Genomenon, Inc
Classification: Likely benign for Glycogen storage disease, type II. Last evaluated: 2026-07-01. Review status: criteria provided, single submitter. Criteria: Genomenon Sequence Variant Interpretation Standards - Updated. Collection method: curation. Allele origin: germline. Affected: no.
Comment: GAA c.2808C>T is a synonymous variant that retains Aspartic acid at codon 936. This variant has been reported in the published literature (PMID:7603530). It is absent or not present at a significant frequency in gnomAD. This variant is not predicted to impact splicing. In conclusion, we classify GAA c.2808C>T (p.Asp936=) as a likely benign variant.

Labcorp Genetics (formerly Invitae), Labcorp
Classification: Likely benign for Glycogen storage disease, type II. Last evaluated: 2024-02-14. Review status: criteria provided, single submitter. Criteria: Invitae Variant Classification Sherloc (09022015). Collection method: clinical testing. Allele origin: germline.

Literature cited by the submitters: PubMed 7603530 (cited by Genomenon, Inc).